The following is an entry in ClinVar:

ClinVar aggregate classification (germline): Uncertain significance. Review status: criteria provided, multiple submitters, no conflicts (2 of 4 stars). 3 submissions from 3 submitters: Uncertain significance (3). Last evaluated 2025-01-21.

Conditions:
Osteogenesis imperfecta type 11. Also called: Osteogenesis imperfecta, type XI; OI, TYPE XI. Identifiers: Orphanet 666, MedGen C3151218, MONDO:0012592, OMIM 610968.

Allele frequency attached by ClinVar (database versions not stated): gnomAD exomes 0.00003; ExAC 0.00005; TOPMed 0.00006; ESP Exome Variant Server 0.00008; 1000 Genomes Project 30x 0.00016; 1000 Genomes Project 0.00020.
gnomAD v4.1: 56 of 1,613,158 alleles (0.0035%); highest among the groups gnomAD compares: Middle Eastern, 0.033%; no homozygotes.

Submissions (3):

GeneDx
Classification: Uncertain significance. Last evaluated: 2025-01-21. Review status: criteria provided, single submitter. Criteria: GeneDx Variant Classification Process June 2021. Collection method: clinical testing. Allele origin: germline. Affected: yes.
Comment: In silico analysis indicates that this missense variant does not alter protein structure/function; Has not been previously published as pathogenic or benign to our knowledge

Labcorp Genetics (formerly Invitae), Labcorp
Classification: Uncertain significance. Last evaluated: 2024-07-08. Review status: criteria provided, single submitter. Criteria: Invitae Variant Classification Sherloc (09022015). Collection method: clinical testing. Allele origin: germline.
Comment: This sequence change replaces aspartic acid, which is acidic and polar, with asparagine, which is neutral and polar, at codon 565 of the FKBP10 protein (p.Asp565Asn). This variant is present in population databases (rs201944190, gnomAD 0.03%). This variant has not been reported in the literature in individuals affected with FKBP10-related conditions. ClinVar contains an entry for this variant (Variation ID: 891078). Advanced modeling of protein sequence and biophysical properties (such as structural, functional, and spatial information, amino acid conservation, physicochemical variation, residue mobility, and thermodynamic stability) performed at Invitae indicates that this missense variant is not expected to disrupt FKBP10 protein function with a negative predictive value of 80%. In summary, the available evidence is currently insufficient to determine the role of this variant in disease. Therefore, it has been classified as a Variant of Uncertain Significance.

Illumina Laboratory Services, Illumina
Classification: Uncertain significance for Osteogenesis imperfecta type 11. Last evaluated: 2017-04-27. Review status: criteria provided, single submitter. Criteria: ICSL Variant Classification Criteria 13 December 2019. Collection method: clinical testing. Allele origin: germline.

NM_021939.4(FKBP10):c.1693G>A (p.Asp565Asn)

Gene: FKBP10 (FKBP prolyl isomerase 10; plus strand). Cytogenetic location: 17q21.2.
Variant type: single nucleotide variant.
Coding change: c.1693G>A on transcript NM_021939.4 (MANE Select); coding-DNA position 1693, G replaced by A.
Protein change: p.Asp565Asn; replaces aspartic acid 565 with asparagine.
Molecular consequence: missense variant.
Genome position (GRCh38, 1-based): chr17:41,822,352, G>A. VCF-style: chr17-41822352-G-A. GRCh37 (hg19) VCF-style: chr17-39978604-G-A.
Other names: short protein forms D565N.
Identifiers: ClinVar variation 891078 (VCV000891078.6), dbSNP rs201944190, ClinGen allele CA8566723.